The following is an entry in ClinVar:

ClinVar aggregate classification (germline): Uncertain significance (1 of 4 stars; one submission).

gnomAD v4.1: 1 of 1,613,646 alleles (0.000062%); highest among the groups gnomAD compares: Non-Finnish European, 0.000085%; no homozygotes.

Submission:

Center for Genomic Medicine, Rigshospitalet, Copenhagen University Hospital
Classification: Uncertain significance. Last evaluated: 2025-03-04. Review status: criteria provided, single submitter. Criteria: ACMG Guidelines, 2015. Collection method: clinical testing. Allele origin: germline.
Comment: Classification criteria: PP3_Strong, PM2_supporting

NM_000130.5(F5):c.449A>G (p.Tyr150Cys)

Gene: F5 (coagulation factor V; minus strand). Cytogenetic location: 1q24.2.
Variant type: single nucleotide variant.
Coding change: c.449A>G on transcript NM_000130.5 (MANE Select); coding-DNA position 449, A replaced by G.
Protein change: p.Tyr150Cys; replaces tyrosine 150 with cysteine.
Molecular consequence: missense variant.
Genome position (GRCh38, 1-based): chr1:169,560,691, T>C on the plus strand (A>G on the coding strand, the complement: F5 is on the minus strand). VCF-style: chr1-169560691-T-C. GRCh37 (hg19) VCF-style: chr1-169529929-T-C.
Other names: short protein forms Y150C.
Identifiers: ClinVar variation 3765441 (VCV003765441.1).
Genomic context (GRCh38, chr1:169,560,691, plus strand): 5'-TGTGTGAGGCATGGAGGGTCATCATGGGTGGGTCCACTGTCCTCACTGATACTCCATTCA[T>C]AGGTGTATTCTCGGCCTGGAGCCACAGCGTCGTCCATCTTCTCCGCAGGGAATGTGTGGT-3'
Protein context (NP_000121.2, residues 140-160): DAVAPGREYT[Tyr150Cys]EWSISEDSGP